The following is an entry in ClinVar:

NM_003560.4(PLA2G6):c.533_536del (p.Gln178fs)

Gene: PLA2G6 (phospholipase A2 group VI; minus strand). Cytogenetic location: 22q13.1.
Variant type: Deletion.
Coding change: c.533_536del on transcript NM_003560.4 (MANE Select); coding-DNA positions 533 to 536, 4 bases deleted (AGAT; older notation c.533_536delAGAT).
Protein change: p.Gln178fs; shifts the reading frame from glutamine 178.
Molecular consequence: frameshift variant. On other transcripts: initiator codon variant (2).
Genome position (GRCh38, 1-based): chr22:38,143,178-38,143,181, ATCT deleted on the plus strand (AGAT on the coding strand, the reverse complement: PLA2G6 is on the minus strand). VCF-style (leftmost placement, unchanged base first): chr22-38143177-CATCT-C. GRCh37 (hg19) VCF-style: chr22-38539184-CATCT-C.
Other names: c.533_536del, p.Gln178fs (NM_001004426.3, NM_001199562.3, NM_001349864.2 and 2 more transcripts); c.-2_2del, p.Asp2fs (NM_001349867.2, NM_001349869.2); c.43_46del, p.Arg15fs (NM_001349868.2); short protein forms D2fs, Q178fs, R15fs.
Identifiers: ClinVar variation 986119 (VCV000986119.9), dbSNP rs2089023572, ClinGen allele CA1025596873.
Genomic context (GRCh38, chr22:38,143,177, plus strand): 5'-AGAATTGTCACCCTGGACAGCATAATGGAAGACGGTCTCTCCCTTGTAGTCGGTGACATC[CATCT>C]GAGTGTGGCAGTACTGCACCAGCTCCACCAGGATCTCCCCATCACCCTTGCGGCAGGCCA-3'

ClinVar aggregate classification (germline): Pathogenic. Review status: criteria provided, multiple submitters, no conflicts (2 of 4 stars). 2 submissions from 2 submitters: Pathogenic (2). Last evaluated 2023-06-03.

Conditions:
Inborn genetic diseases. Identifiers: MedGen C0950123, MeSH D030342.
Infantile neuroaxonal dystrophy (NBIA2A). Also called: Infantile neuroaxonal dystrophy 1; SEITELBERGER DISEASE; NEURODEGENERATION WITH BRAIN IRON ACCUMULATION 2A. Identifiers: Orphanet 35069, MedGen C0270724, MONDO:0024457, OMIM 256600.

Allele frequency attached by ClinVar (database versions not stated): gnomAD exomes below 0.00001; TOPMed below 0.00001; gnomAD 0.00001.

Submissions (2):

Labcorp Genetics (formerly Invitae), Labcorp
Classification: Pathogenic for Infantile neuroaxonal dystrophy. Last evaluated: 2023-06-03. Review status: criteria provided, single submitter. Criteria: Invitae Variant Classification Sherloc (09022015). Collection method: clinical testing. Allele origin: germline.
Comment: For these reasons, this variant has been classified as Pathogenic. ClinVar contains an entry for this variant (Variation ID: 986119). This variant has not been reported in the literature in individuals affected with PLA2G6-related conditions. This variant is not present in population databases (gnomAD no frequency). This sequence change creates a premature translational stop signal (p.Gln178Argfs*35) in the PLA2G6 gene. It is expected to result in an absent or disrupted protein product. Loss-of-function variants in PLA2G6 are known to be pathogenic (PMID: 16783378, 18570303, 18799783, 22213678).

Ambry Genetics
Classification: Pathogenic for Inborn genetic diseases. Last evaluated: 2020-07-02. Review status: criteria provided, single submitter. Criteria: Ambry Variant Classification Scheme 2023. Collection method: clinical testing. Allele origin: germline.
Comment: The alteration results in a premature stop codon: _x000D_ _x000D_ The c.533_536delAGAT (p.Q178Rfs*35) alteration, located in exon 4 (coding exon 3) of the PLA2G6 gene, results from a deletion of 4 nucleotides from position 533 to 536, causing a translational frameshift with a predicted alternate stop codon after 35 amino acids. This alteration is expected to result in loss of function by premature protein truncation or nonsense-mediated mRNA decay. The alteration is not observed in population databases:_x000D_ _x000D_ Based on data from the Genome Aggregation Database (gnomAD), the PLA2G6 c.533_536delAGAT alteration was not observed, with coverage at this position. Based on the available evidence, this alteration is classified as pathogenic.

Literature cited by the submitters: PubMed 16783378 (cited by Labcorp Genetics (formerly Invitae), Labcorp); PubMed 18570303 (cited by Labcorp Genetics (formerly Invitae), Labcorp); PubMed 18799783 (cited by Labcorp Genetics (formerly Invitae), Labcorp); PubMed 22213678 (cited by Labcorp Genetics (formerly Invitae), Labcorp).